The following is an entry in ClinVar:

ClinVar aggregate classification (germline): Benign. Review status: criteria provided, multiple submitters, no conflicts (2 of 4 stars). 20 submissions from 18 submitters: Benign (15). 5 of the submissions do not count toward it. Last evaluated 2026-02-04.

Conditions:
Cardiovascular phenotype. Identifiers: MedGen CN230736.
Desmin-related myofibrillar myopathy (MFM1). Also called: MYOFIBRILLAR MYOPATHY WITH ARRHYTHMOGENIC RIGHT VENTRICULAR CARDIOMYOPATHY; DESMIN-RELATED MYOPATHY WITH ARRHYTHMOGENIC RIGHT VENTRICULAR CARDIOMYOPATHY; Myofibrillar myopathy 1; Desmin related myopathy (former name); Desmin storage myopathy (former name); Desminopathy. Identifiers: Orphanet 363543, Orphanet 98909, MedGen C1832370, MONDO:0011076, OMIM 601419.
Neurogenic scapuloperoneal syndrome, Kaeser type (SCPNK). Also called: KAESER SYNDROME. Identifiers: Orphanet 85146, MedGen C1867005, MONDO:0008407, OMIM 181400.
Dilated cardiomyopathy 1I (CMD1I). Identifiers: Orphanet 154, MedGen C1858154, MONDO:0011482, OMIM 604765.

Allele frequency attached by ClinVar (database versions not stated): gnomAD exomes 0.33226 and 0.34135; 1000 Genomes Project 0.33367; ExAC 0.33618; 1000 Genomes Project 30x 0.33869; gnomAD 0.36237 and 0.36806; TOPMed 0.37441; ESP Exome Variant Server 0.38444.
gnomAD v4.1: 554,753 of 1,613,624 alleles (34%); highest among the groups gnomAD compares: African/African-American, 44%; 97,240 homozygotes.

Submissions (20):

Labcorp Genetics (formerly Invitae), Labcorp
Classification: Benign for Desmin-related myofibrillar myopathy. Last evaluated: 2026-02-04. Review status: criteria provided, single submitter. Criteria: Invitae Variant Classification Sherloc (09022015). Collection method: clinical testing. Allele origin: germline.

Molecular Diagnostic Laboratory for Inherited Cardiovascular Disease, Montreal Heart Institute
Classification: Benign. Last evaluated: 2025-04-09. Review status: criteria provided, single submitter. Criteria: ACMG Guidelines, 2015. Collection method: clinical testing. Allele origin: germline. Affected: no.

Blueprint Genetics
Classification: Benign. Last evaluated: 2024-11-26. Review status: criteria provided, single submitter. Criteria: ACMG Guidelines, 2015. Collection method: clinical testing. Allele origin: germline.

Illumina Laboratory Services, Illumina
Classification: Benign for Myofibrillar myopathy 1. Last evaluated: 2018-01-12. Review status: criteria provided, single submitter. Criteria: ICSL Variant Classification Criteria 13 December 2019. Collection method: clinical testing. Allele origin: germline.
Comment: This variant was observed in the ICSL laboratory as part of a predisposition screen in an ostensibly healthy population. It had not been previously curated by ICSL or reported in the Human Gene Mutation Database (HGMD: prior to June 1st, 2018), and was therefore a candidate for classification through an automated scoring system. Utilizing variant allele frequency, disease prevalence and penetrance estimates, and inheritance mode, an automated score was calculated to assess if this variant is too frequent to cause the disease. Based on the score and internal cut-off values, a variant classified as benign is not then subjected to further curation. The score for this variant resulted in a classification of benign for this disease.

Illumina Laboratory Services, Illumina
Classification: Benign for Neurogenic scapuloperoneal syndrome, Kaeser type. Last evaluated: 2018-01-12. Review status: criteria provided, single submitter. Criteria: ICSL Variant Classification Criteria 13 December 2019. Collection method: clinical testing. Allele origin: germline.
Comment: the same text as in the submission from Illumina Laboratory Services, Illumina above.

Illumina Laboratory Services, Illumina
Classification: Benign for Dilated cardiomyopathy 1I. Last evaluated: 2018-01-12. Review status: criteria provided, single submitter. Criteria: ICSL Variant Classification Criteria 13 December 2019. Collection method: clinical testing. Allele origin: germline.
Comment: the same text as in the submission from Illumina Laboratory Services, Illumina above.

Mayo Clinic Laboratories, Mayo Clinic
Classification: Benign. Last evaluated: 2017-07-21. Review status: criteria provided, single submitter. Criteria: ACMG Guidelines, 2015. Collection method: clinical testing. Allele origin: germline. Observed: 1,417 variant alleles.

Athena Diagnostics
Classification: Benign. Last evaluated: 2017-07-12. Review status: criteria provided, single submitter. Criteria: Athena Diagnostics Criteria. Collection method: clinical testing. Allele origin: germline.

Eurofins Ntd Llc (ga)
Classification: Benign. Last evaluated: 2016-02-17. Review status: criteria provided, single submitter. Criteria: EGL Classification Definitions 2015. Collection method: clinical testing. Allele origin: germline. Observed: 12 variant alleles, 11 heterozygotes, 1 homozygote.

Ambry Genetics
Classification: Benign for Cardiovascular phenotype. Last evaluated: 2015-03-27. Review status: criteria provided, single submitter. Criteria: Ambry Variant Classification Scheme 2023. Collection method: clinical testing. Allele origin: germline.

GeneDx
Classification: Benign. Last evaluated: 2015-03-03. Review status: criteria provided, single submitter. Criteria: GeneDx Variant Classification Process June 2021. Collection method: clinical testing. Allele origin: germline. Affected: yes.

Genetic Services Laboratory, University of Chicago
Classification: Benign for AllHighlyPenetrant. Last evaluated: 2013-08-15. Review status: criteria provided, single submitter. Criteria: ACMG Guidelines, 2007. Collection method: clinical testing. Allele origin: germline. Inheritance: Autosomal dominant inheritance.

Laboratory for Molecular Medicine, Mass General Brigham Personalized Medicine
Classification: Benign. Last evaluated: 2008-02-15. Review status: criteria provided, single submitter. Criteria: LMM Criteria. Collection method: clinical testing. Allele origin: germline. Observed: 1,503 variant alleles.

Breakthrough Genomics
Classification: Benign. Review status: criteria provided, single submitter. Criteria: ACMG Guidelines, 2015. Collection method: not provided. Allele origin: germline. Inheritance: Autosomal recessive inheritance. Affected: yes.

PreventionGenetics, part of Exact Sciences
Classification: Benign. Review status: criteria provided, single submitter. Criteria: ACMG Guidelines, 2015. Collection method: clinical testing. Allele origin: germline.

Clinical Genetics DNA and cytogenetics Diagnostics Lab, Erasmus MC, Erasmus Medical Center
Classification: Benign. Review status: no assertion criteria provided. Collection method: clinical testing. Allele origin: germline. Affected: yes. Study: VKGL Data-share Consensus. Not counted in ClinVar's aggregate classification.

Clinical Genetics, Academic Medical Center
Classification: Benign. Review status: no assertion criteria provided. Collection method: clinical testing. Allele origin: germline. Affected: yes. Study: VKGL Data-share Consensus. Not counted in ClinVar's aggregate classification.

Diagnostic Laboratory, Department of Genetics, University Medical Center Groningen
Classification: Benign. Review status: no assertion criteria provided. Collection method: clinical testing. Allele origin: germline. Affected: yes. Study: VKGL Data-share Consensus. Not counted in ClinVar's aggregate classification.

Genome Diagnostics Laboratory, University Medical Center Utrecht
Classification: Benign. Review status: no assertion criteria provided. Collection method: clinical testing. Allele origin: germline. Affected: yes. Study: VKGL Data-share Consensus. Not counted in ClinVar's aggregate classification.

Joint Genome Diagnostic Labs from Nijmegen and Maastricht, Radboudumc and MUMC+
Classification: Benign. Review status: no assertion criteria provided. Collection method: clinical testing. Allele origin: germline. Affected: yes. Study: VKGL Data-share Consensus. Not counted in ClinVar's aggregate classification.

NM_001927.4(DES):c.1104G>A (p.Ala368=)

Gene: DES (desmin; plus strand). Cytogenetic location: 2q35.
Variant type: single nucleotide variant.
Coding change: c.1104G>A on transcript NM_001927.4 (MANE Select); coding-DNA position 1104, G replaced by A.
Protein change: p.Ala368=; no amino-acid change (alanine 368 retained).
Molecular consequence: synonymous variant.
Genome position (GRCh38, 1-based): chr2:219,421,420, G>A. VCF-style: chr2-219421420-G-A. GRCh37 (hg19) VCF-style: chr2-220286142-G-A.
Other names: p.Ala368=.
Identifiers: ClinVar variation 44245 (VCV000044245.44), dbSNP rs1058284, ClinGen allele CA133811.